The following is an entry in ClinVar:

NM_181078.3(IL21R):c.70G>A (p.Val24Ile)

Gene: IL21R (interleukin 21 receptor; plus strand). Cytogenetic location: 16p12.1.
Variant type: single nucleotide variant.
Coding change: c.70G>A on transcript NM_181078.3 (MANE Select); coding-DNA position 70, G replaced by A.
Protein change: p.Val24Ile; replaces valine 24 with isoleucine.
Molecular consequence: missense variant.
Genome position (GRCh38, 1-based): chr16:27,434,367, G>A. VCF-style: chr16-27434367-G-A. GRCh37 (hg19) VCF-style: chr16-27445688-G-A.
Other names: c.136G>A (NM_181079.4); c.70G>A, p.Val24Ile (NM_021798.4); c.136G>A, p.Val46Ile (NM_181079.5); short protein forms V24I, V46I.
Identifiers: ClinVar variation 2146124 (VCV002146124.4), dbSNP rs201895589, ClinGen allele CA7974864.

ClinVar aggregate classification (germline): Uncertain significance. Review status: criteria provided, multiple submitters, no conflicts (2 of 4 stars). 2 submissions from 2 submitters: Uncertain significance (2). Last evaluated 2025-03-30.

Conditions:
Cryptosporidiosis-chronic cholangitis-liver disease syndrome. Also called: Immunodeficiency type 56; IL21R immunodeficiency. Identifiers: Orphanet 357329, MedGen C3554687, MONDO:0014082, OMIM 615207.
Inborn genetic diseases. Identifiers: MedGen C0950123, MeSH D030342.

Allele frequency attached by ClinVar (database versions not stated): TOPMed 0.00004; 1000 Genomes Project 0.00020; 1000 Genomes Project 30x 0.00031.

Submissions (2):

Ambry Genetics
Classification: Uncertain significance for Inborn genetic diseases. Last evaluated: 2025-03-30. Review status: criteria provided, single submitter. Criteria: Ambry Variant Classification Scheme 2023. Collection method: clinical testing. Allele origin: germline.

Labcorp Genetics (formerly Invitae), Labcorp
Classification: Uncertain significance for Cryptosporidiosis-chronic cholangitis-liver disease syndrome. Last evaluated: 2024-09-06. Review status: criteria provided, single submitter. Criteria: Invitae Variant Classification Sherloc (09022015). Collection method: clinical testing. Allele origin: germline.
Comment: This sequence change replaces valine, which is neutral and non-polar, with isoleucine, which is neutral and non-polar, at codon 24 of the IL21R protein (p.Val24Ile). This variant is present in population databases (rs201895589, gnomAD 0.005%). This variant has not been reported in the literature in individuals affected with IL21R-related conditions. ClinVar contains an entry for this variant (Variation ID: 2146124). Invitae Evidence Modeling of protein sequence and biophysical properties (such as structural, functional, and spatial information, amino acid conservation, physicochemical variation, residue mobility, and thermodynamic stability) indicates that this missense variant is not expected to disrupt IL21R protein function with a negative predictive value of 80%. In summary, the available evidence is currently insufficient to determine the role of this variant in disease. Therefore, it has been classified as a Variant of Uncertain Significance.